The following is an entry in ClinVar:

ClinVar aggregate classification (germline): Pathogenic (1 of 4 stars; one submission).

Conditions:
Cholestanol storage disease (CTX). Also called: CTX: Cerebrotendinous xanthomatosis; CEREBRAL CHOLESTERINOSIS; Cerebrotendinous Xanthomatosis. Identifiers: Orphanet 909, MedGen C0238052, MONDO:0008948, OMIM 213700.

Submission:

Labcorp Genetics (formerly Invitae), Labcorp
Classification: Pathogenic for Cholestanol storage disease. Last evaluated: 2023-09-06. Review status: criteria provided, single submitter. Criteria: Invitae Variant Classification Sherloc (09022015). Collection method: clinical testing. Allele origin: germline.
Comment: For these reasons, this variant has been classified as Pathogenic. This variant has not been reported in the literature in individuals affected with CYP27A1-related conditions. This variant is not present in population databases (gnomAD no frequency). This sequence change creates a premature translational stop signal (p.Trp346*) in the CYP27A1 gene. It is expected to result in an absent or disrupted protein product. Loss-of-function variants in CYP27A1 are known to be pathogenic (PMID: 9392430, 10775536, 26937392).

Literature cited by the submitters: PubMed 9392430; PubMed 10775536; PubMed 26937392.

NM_000784.4(CYP27A1):c.1037G>A (p.Trp346Ter)

Gene: CYP27A1 (cytochrome P450 family 27 subfamily A member 1; plus strand). Cytogenetic location: 2q35.
Variant type: single nucleotide variant.
Coding change: c.1037G>A on transcript NM_000784.4 (MANE Select); coding-DNA position 1037, G replaced by A.
Protein change: p.Trp346Ter; replaces tryptophan 346 with a stop codon.
Molecular consequence: nonsense.
Genome position (GRCh38, 1-based): chr2:218,814,040, G>A. VCF-style: chr2-218814040-G-A. GRCh37 (hg19) VCF-style: chr2-219678763-G-A.
Other names: short protein forms W346*.
Identifiers: ClinVar variation 2740202 (VCV002740202.3), dbSNP rs2470228964, ClinGen allele CA350591348.
Genomic context (GRCh38, chr2:218,814,040, plus strand): 5'-CTAGAAATCGCCCTCACCTGATCTCCCACTCTATCTTCTAGACATCCAACACGCTGACAT[G>A]GGCCCTGTACCACCTCTCAAAGGACCCTGAGATCCAGGAGGCCTTGCACGAGGAAGTGGT-3'